The following is an entry in ClinVar:

NM_021615.5(CHST6):c.161C>A (p.Ser54Tyr)

Gene: CHST6 (carbohydrate sulfotransferase 6; minus strand). Cytogenetic location: 16q23.1.
Variant type: single nucleotide variant.
Coding change: c.161C>A on transcript NM_021615.5 (MANE Select); coding-DNA position 161, C replaced by A.
Protein change: p.Ser54Tyr; replaces serine 54 with tyrosine.
Molecular consequence: missense variant.
Genome position (GRCh38, 1-based): chr16:75,479,668, G>T on the plus strand (C>A on the coding strand, the complement: CHST6 is on the minus strand). VCF-style: chr16-75479668-G-T. GRCh37 (hg19) VCF-style: chr16-75513566-G-T.
Other names: short protein forms S54Y.
Identifiers: ClinVar variation 4687723 (VCV004687723.1).

ClinVar aggregate classification (germline): Likely pathogenic (1 of 4 stars; one submission).

Conditions:
Macular corneal dystrophy (MCD). Also called: GROENOUW TYPE II CORNEAL DYSTROPHY; Macular corneal dystrophy Type I. Identifiers: Orphanet 98969, MedGen C1636149, MONDO:0009020, OMIM 217800.

Submission:

Women's Health and Genetics/Laboratory Corporation of America, LabCorp
Classification: Likely pathogenic for Macular corneal dystrophy. Last evaluated: 2025-10-27. Review status: criteria provided, single submitter. Criteria: LabCorp Variant Classification Summary - May 2015. Collection method: clinical testing. Allele origin: germline.
Comment: Variant summary: CHST6 c.161C>A (p.Ser54Tyr) results in a non-conservative amino acid change in the encoded protein sequence. Algorithms developed to predict the effect of missense changes on protein structure and function all suggest that this variant is likely to be disruptive. The variant was absent in 247712 control chromosomes. c.161C>A has been observed in homozygous individual affected with Macular Corneal Dystrophy (Paliwal_2012). These data indicate that the variant is likely to be associated with disease. To our knowledge, no experimental evidence demonstrating an impact on protein function has been reported. The following publication have been ascertained in the context of this evaluation (PMID: 22261655). No submitters have cited clinical-significance assessments for this variant to ClinVar. Based on the evidence outlined above, the variant was classified as likely pathogenic.

Literature cited by the submitters: PubMed 22261655.